The following is an entry in ClinVar:

ClinVar aggregate classification (germline): Uncertain significance (1 of 4 stars; one submission).

Submission:

GeneDx
Classification: Uncertain significance. Last evaluated: 2022-01-05. Review status: criteria provided, single submitter. Criteria: GeneDx Variant Classification Process June 2021. Collection method: clinical testing. Allele origin: germline. Affected: yes.
Comment: Not observed at significant frequency in large population cohorts (gnomAD); In silico analysis supports that this missense variant has a deleterious effect on protein structure/function; Has not been previously published as pathogenic or benign to our knowledge

NM_001376.5(DYNC1H1):c.12737T>C (p.Leu4246Ser)

Gene: DYNC1H1 (dynein cytoplasmic 1 heavy chain 1; plus strand). Cytogenetic location: 14q32.31.
Variant type: single nucleotide variant.
Coding change: c.12737T>C on transcript NM_001376.5 (MANE Select); coding-DNA position 12737, T replaced by C.
Protein change: p.Leu4246Ser; replaces leucine 4246 with serine.
Molecular consequence: missense variant.
Genome position (GRCh38, 1-based): chr14:102,044,326, T>C. VCF-style: chr14-102044326-T-C. GRCh37 (hg19) VCF-style: chr14-102510663-T-C.
Other names: short protein forms L4246S.
Identifiers: ClinVar variation 1695674 (VCV001695674.2), dbSNP rs2152597748, ClinGen allele CA391043716.